The following is an entry in ClinVar:

ClinVar aggregate classification (germline): Uncertain significance (1 of 4 stars; one submission).

Submission:

GeneDx
Classification: Uncertain significance. Last evaluated: 2023-07-05. Review status: criteria provided, single submitter. Criteria: GeneDx Variant Classification Process June 2021. Collection method: clinical testing. Allele origin: germline. Affected: yes.
Comment: Has not been previously published as pathogenic or benign to our knowledge; Not observed at significant frequency in large population cohorts (gnomAD); In silico analysis supports that this missense variant has a deleterious effect on protein structure/function

NM_003073.5(SMARCB1):c.973A>C (p.Thr325Pro)

Gene: SMARCB1 (SWI/SNF related BAF chromatin remodeling complex subunit B1; plus strand). Cytogenetic location: 22q11.23.
Variant type: single nucleotide variant.
Coding change: c.973A>C on transcript NM_003073.5 (MANE Select); coding-DNA position 973, A replaced by C.
Protein change: p.Thr325Pro; replaces threonine 325 with proline.
Molecular consequence: missense variant.
Genome position (GRCh38, 1-based): chr22:23,825,402, A>C. VCF-style: chr22-23825402-A-C. GRCh37 (hg19) VCF-style: chr22-24167589-A-C.
Other names: c.946A>C, p.Thr316Pro (NM_001007468.3); c.1000A>C, p.Thr334Pro (NM_001317946.2); c.1027A>C, p.Thr343Pro (NM_001362877.2); short protein forms T316P, T325P, T334P, T343P.
Identifiers: ClinVar variation 3360710 (VCV003360710.1).